The following is an entry in ClinVar:

NM_020041.3(SLC2A9):c.*110G>T

Gene: SLC2A9 (solute carrier family 2 member 9; minus strand). Cytogenetic location: 4p16.1.
Variant type: single nucleotide variant.
Coding change: c.*110G>T on transcript NM_020041.3 (MANE Select); 110 bases downstream of the stop codon, G replaced by T.
Molecular consequence: 3 prime UTR variant.
Genome position (GRCh38, 1-based): chr4:9,826,287, C>A on the plus strand (G>T on the coding strand, the complement: SLC2A9 is on the minus strand). VCF-style: chr4-9826287-C-A. GRCh37 (hg19) VCF-style: chr4-9827911-C-A.
Other names: c.*110G>T (NM_001001290.2).
Identifiers: ClinVar variation 350192 (VCV000350192.5), dbSNP rs144294717, ClinGen allele CA10622053.

ClinVar aggregate classification (germline): Benign (1 of 4 stars; one submission).

Conditions:
Hypouricemia, renal, 2. Also called: HYPOURICEMIA, RENAL, 2, AUTOSOMAL DOMINANT; HYPOURICEMIA, RENAL, 2, AUTOSOMAL RECESSIVE. Identifiers: MedGen C2677549, MONDO:0012793, OMIM 612076.

Allele frequency attached by ClinVar (database versions not stated): gnomAD exomes 0.00026; 1000 Genomes Project 0.00220; 1000 Genomes Project 30x 0.00234; gnomAD 0.00295 and 0.00327; TOPMed 0.00344.
gnomAD v4.1: 690 of 1,069,592 alleles (0.065%); highest among the groups gnomAD compares: African/African-American, 1%; 7 homozygotes.

Submission:

Illumina Laboratory Services, Illumina
Classification: Benign for Hypouricemia, renal, 2. Last evaluated: 2018-01-12. Review status: criteria provided, single submitter. Criteria: ICSL Variant Classification Criteria 13 December 2019. Collection method: clinical testing. Allele origin: germline.
Comment: This variant was observed in the ICSL laboratory as part of a predisposition screen in an ostensibly healthy population. It had not been previously curated by ICSL or reported in the Human Gene Mutation Database (HGMD: prior to June 1st, 2018), and was therefore a candidate for classification through an automated scoring system. Utilizing variant allele frequency, disease prevalence and penetrance estimates, and inheritance mode, an automated score was calculated to assess if this variant is too frequent to cause the disease. Based on the score and internal cut-off values, a variant classified as benign is not then subjected to further curation. The score for this variant resulted in a classification of benign for this disease.